The following is an entry in ClinVar:

NM_181882.3(PRX):c.15C>G (p.Ser5Arg)

Gene: PRX (periaxin; minus strand). Cytogenetic location: 19q13.2.
Variant type: single nucleotide variant.
Coding change: c.15C>G on transcript NM_181882.3 (MANE Select); coding-DNA position 15, C replaced by G.
Protein change: p.Ser5Arg; replaces serine 5 with arginine.
Molecular consequence: missense variant.
Genome position (GRCh38, 1-based): chr19:40,407,918, G>C on the plus strand (C>G on the coding strand, the complement: PRX is on the minus strand). VCF-style: chr19-40407918-G-C. GRCh37 (hg19) VCF-style: chr19-40913825-G-C.
Other names: c.15C>G, p.Ser5Arg (NM_020956.2); short protein forms S5R.
Identifiers: ClinVar variation 566040 (VCV000566040.7), dbSNP rs1408677034, ClinGen allele CA405902051.

ClinVar aggregate classification (germline): Uncertain significance. Review status: criteria provided, multiple submitters, no conflicts (2 of 4 stars). 3 submissions from 3 submitters: Uncertain significance (3). Last evaluated 2026-02-03.

Conditions:
Charcot-Marie-Tooth disease type 4. Also called: Charcot-Marie-Tooth, Type 4; Charcot-Marie-Tooth disease, type IV. Identifiers: Orphanet 64749, MedGen C4082197, MONDO:0018995.
Inborn genetic diseases. Identifiers: MedGen C0950123, MeSH D030342.

Allele frequency attached by ClinVar (database versions not stated): gnomAD exomes 0.00001.
gnomAD v4.1: 4 of 1,613,646 alleles (0.00025%); highest among the groups gnomAD compares: South Asian, 0.0011%; no homozygotes.

Submissions (3):

GeneDx
Classification: Uncertain significance. Last evaluated: 2026-02-03. Review status: criteria provided, single submitter. Criteria: GeneDx Variant Classification Process June 2021. Collection method: clinical testing. Allele origin: germline.
Comment: Not observed at significant frequency in large population cohorts (gnomAD); In silico analysis suggests that this missense variant does not alter protein structure/function; Has not been previously published as pathogenic or benign to our knowledge

Labcorp Genetics (formerly Invitae), Labcorp
Classification: Uncertain significance for Charcot-Marie-Tooth disease type 4. Last evaluated: 2022-07-25. Review status: criteria provided, single submitter. Criteria: Invitae Variant Classification Sherloc (09022015). Collection method: clinical testing. Allele origin: germline.
Comment: This sequence change replaces serine, which is neutral and polar, with arginine, which is basic and polar, at codon 5 of the PRX protein (p.Ser5Arg). This variant is present in population databases (no rsID available, gnomAD 0.002%). This variant has not been reported in the literature in individuals affected with PRX-related conditions. ClinVar contains an entry for this variant (Variation ID: 566040). Algorithms developed to predict the effect of missense changes on protein structure and function are either unavailable or do not agree on the potential impact of this missense change (SIFT: "Tolerated"; PolyPhen-2: "Not Available"; Align-GVGD: "Class C0"). In summary, the available evidence is currently insufficient to determine the role of this variant in disease. Therefore, it has been classified as a Variant of Uncertain Significance.

Ambry Genetics
Classification: Uncertain significance for Inborn genetic diseases. Last evaluated: 2022-07-13. Review status: criteria provided, single submitter. Criteria: Ambry Variant Classification Scheme 2023. Collection method: clinical testing. Allele origin: germline.